The following is an entry in ClinVar:

NM_004715.5(CTDP1):c.48G>A (p.Thr16=)

Gene: CTDP1 (CTD phosphatase 1; plus strand). Cytogenetic location: 18q23.
Variant type: single nucleotide variant.
Coding change: c.48G>A on transcript NM_004715.5 (MANE Select); coding-DNA position 48, G replaced by A.
Protein change: p.Thr16=; no amino-acid change (threonine 16 retained).
Molecular consequence: synonymous variant.
Genome position (GRCh38, 1-based): chr18:79,679,995, G>A. VCF-style: chr18-79679995-G-A. GRCh37 (hg19) VCF-style: chr18-77439995-G-A.
Other names: c.48G>A, p.Thr16= (NM_001318511.2, NM_048368.4).
Identifiers: ClinVar variation 2057363 (VCV002057363.32), dbSNP rs545494398, ClinGen allele CA303773910.
Genomic context (GRCh38, chr18:79,679,995, plus strand): 5'-CCCTCTGTCCGCGATGGAGGTGCCGGCCGCGGGTCGCGTTCCTGCCGAGGGCGCCCCGAC[G>A]GCGGCTGTGGCCGAGGTGCGCTGCCCGGGGCCCGCGCCGCTGCGCCTGCTGGAGTGGAGG-3'
Protein context (NP_004706.3, residues 6-26): AGRVPAEGAP[Thr16=]AAVAEVRCPG

ClinVar aggregate classification (germline): Likely benign. Review status: criteria provided, multiple submitters, no conflicts (2 of 4 stars). 2 submissions from 2 submitters: Likely benign (2). Last evaluated 2024-02-12.

Allele frequency attached by ClinVar (database versions not stated): TOPMed 0.00001; gnomAD 0.00002; 1000 Genomes Project 30x 0.00031; 1000 Genomes Project 0.00040.
gnomAD v4.1: 51 of 1,332,354 alleles (0.0038%); highest among the groups gnomAD compares: Non-Finnish European, 0.0047%; no homozygotes.

Submissions (2):

Labcorp Genetics (formerly Invitae), Labcorp
Classification: Likely benign. Last evaluated: 2024-02-12. Review status: criteria provided, single submitter. Criteria: Invitae Variant Classification Sherloc (09022015). Collection method: clinical testing. Allele origin: germline.

CeGaT Center for Human Genetics Tuebingen
Classification: Likely benign. Last evaluated: 2023-03-01. Review status: criteria provided, single submitter. Criteria: CeGaT Center For Human Genetics Tuebingen Variant Classification Criteria Version 2. Collection method: clinical testing. Allele origin: germline. Affected: yes. Observed: 1 variant allele.
Comment: CTDP1: BP4, BP7